The following is an entry in ClinVar:

NM_006734.4(HIVEP2):c.1307A>G (p.Asn436Ser)

Gene: HIVEP2 (HIVEP zinc finger 2; minus strand). Cytogenetic location: 6q24.2.
Variant type: single nucleotide variant.
Coding change: c.1307A>G on transcript NM_006734.4 (MANE Select); coding-DNA position 1307, A replaced by G.
Protein change: p.Asn436Ser; replaces asparagine 436 with serine.
Molecular consequence: missense variant.
Genome position (GRCh38, 1-based): chr6:142,773,432, T>C on the plus strand (A>G on the coding strand, the complement: HIVEP2 is on the minus strand). VCF-style: chr6-142773432-T-C. GRCh37 (hg19) VCF-style: chr6-143094569-T-C.
Other names: c.1307A>G, p.Asn436Ser (NM_001438449.1, NM_001438450.1, NM_001438451.1); short protein forms N436S.
Identifiers: ClinVar variation 4621553 (VCV004621553.2).

ClinVar aggregate classification (germline): Uncertain significance. Review status: criteria provided, multiple submitters, no conflicts (2 of 4 stars). 2 submissions from 2 submitters: Uncertain significance (2). Last evaluated 2026-01-15.

Conditions:
Inborn genetic diseases. Identifiers: MedGen C0950123, MeSH D030342.

gnomAD v4.1: 14 of 1,614,130 alleles (0.00087%); highest among the groups gnomAD compares: Non-Finnish European, 0.0012%; no homozygotes.

Submissions (2):

Labcorp Genetics (formerly Invitae), Labcorp
Classification: Uncertain significance. Last evaluated: 2026-01-15. Review status: criteria provided, single submitter. Criteria: Invitae Variant Classification Sherloc (09022015). Collection method: clinical testing. Allele origin: germline.
Comment: This sequence change replaces asparagine, which is neutral and polar, with serine, which is neutral and polar, at codon 436 of the HIVEP2 protein (p.Asn436Ser). This variant is present in population databases (rs776415212, gnomAD 0.002%). This variant has not been reported in the literature in individuals affected with HIVEP2-related conditions. Invitae Evidence Modeling of protein sequence and biophysical properties (such as structural, functional, and spatial information, amino acid conservation, physicochemical variation, residue mobility, and thermodynamic stability) indicates that this missense variant is not expected to disrupt HIVEP2 protein function with a negative predictive value of 80%. In summary, the available evidence is currently insufficient to determine the role of this variant in disease. Therefore, it has been classified as a Variant of Uncertain Significance.

Ambry Genetics
Classification: Uncertain significance for Inborn genetic diseases. Last evaluated: 2025-12-11. Review status: criteria provided, single submitter. Criteria: Ambry Variant Classification Scheme 2023. Collection method: clinical testing. Allele origin: germline.